The following is an entry in ClinVar:

NM_001567.4(INPPL1):c.3686+3G>T

Gene: INPPL1 (inositol polyphosphate phosphatase like 1; plus strand). Cytogenetic location: 11q13.4.
Variant type: single nucleotide variant.
Coding change: c.3686+3G>T on transcript NM_001567.4 (MANE Select); 3 bases into the intron after coding-DNA position 3686, G replaced by T.
Molecular consequence: intron variant.
Genome position (GRCh38, 1-based): chr11:72,238,178, G>T. VCF-style: chr11-72238178-G-T. GRCh37 (hg19) VCF-style: chr11-71949222-G-T.
Other names: c.3686+3G>T (NM_001440436.1, NM_001440435.1); c.3553-85G>T (NM_001440438.1); c.3752+3G>T (NM_001440434.1); c.3545+3G>T (NM_001440437.1).
Identifiers: ClinVar variation 4703796 (VCV004703796.2).
Genomic context (GRCh38, chr11:72,238,178, plus strand): 5'-TGGAGCGCTATGAGGAGGGCCTGGTGCATAATGGCTGGGACGACCTGGAGTTTCTCAGGT[G>T]GGGGAGGGGCTGGCCCCGGGGGCGGAGCTGGGGCCCTCAGGATCCCCTTGCCCATCTCAC-3'

ClinVar aggregate classification (germline): Uncertain significance. Review status: criteria provided, multiple submitters, no conflicts (2 of 4 stars). 2 submissions from 2 submitters: Uncertain significance (2). Last evaluated 2025-04-03.

gnomAD v4.1: 55 of 1,607,176 alleles (0.0034%); highest among the groups gnomAD compares: Non-Finnish European, 0.0045%; no homozygotes.

Submissions (2):

Labcorp Genetics (formerly Invitae), Labcorp
Classification: Uncertain significance. Last evaluated: 2025-04-03. Review status: criteria provided, single submitter. Criteria: Invitae Variant Classification Sherloc (09022015). Collection method: clinical testing. Allele origin: germline.
Comment: This sequence change falls in intron 27 of the INPPL1 gene. It does not directly change the encoded amino acid sequence of the INPPL1 protein. It affects a nucleotide within the consensus splice site. This variant is present in population databases (no rsID available, gnomAD 0.005%). This variant has not been reported in the literature in individuals affected with INPPL1-related conditions. Variants that disrupt the consensus splice site are a relatively common cause of aberrant splicing (PMID: 17576681, 9536098). Algorithms developed to predict the effect of sequence changes on RNA splicing suggest that this variant is not likely to affect RNA splicing. In summary, the available evidence is currently insufficient to determine the role of this variant in disease. Therefore, it has been classified as a Variant of Uncertain Significance.

Blueprint Genetics
Classification: Uncertain significance. Last evaluated: 2022-09-05. Review status: criteria provided, single submitter. Criteria: ACMG Guidelines, 2015. Collection method: clinical testing. Allele origin: germline.

Literature cited by the submitters: PubMed 17576681 (cited by Labcorp Genetics (formerly Invitae), Labcorp); PubMed 9536098 (cited by Labcorp Genetics (formerly Invitae), Labcorp).